The following is an entry in ClinVar:

ClinVar aggregate classification (germline): Pathogenic/Likely pathogenic. Review status: criteria provided, multiple submitters, no conflicts (2 of 4 stars). 2 submissions from 2 submitters: Pathogenic (1); Likely pathogenic (1). Last evaluated 2025-01-20.

Conditions:
COL1A2-related disorder. Also called: COL1A2-related condition; COL1A2-Related Disorders.
Osteogenesis imperfecta type I (OI1). Also called: Lobstein's Disease; OSTEOGENESIS IMPERFECTA TARDA; OSTEOGENESIS IMPERFECTA WITH BLUE SCLERAE; Lobstein disease; Classic Non-deforming Osteogenesis Imperfecta with Blue Sclerae; Osteogenesis imperfecta type 1. Identifiers: Orphanet 216796, Orphanet 666, MedGen C0023931, MONDO:0008146, OMIM 166200. Disease mechanism: loss of function.
Ehlers-Danlos syndrome, classic type, 1 (EDSCL1). Also called: EDS I; Ehlers-Danlos Syndrome, Classic Type, COL5A1-Related; Ehlers-Danlos syndrome, type 1; EHLERS-DANLOS SYNDROME, GRAVIS TYPE; EHLERS-DANLOS SYNDROME, SEVERE CLASSIC TYPE. Identifiers: MedGen C0268335, MONDO:0019567, OMIM 130000.

Submissions (2):

Labcorp Genetics (formerly Invitae), Labcorp
Classification: Pathogenic for Osteogenesis imperfecta type I; Ehlers-Danlos syndrome, classic type, 1. Last evaluated: 2025-01-20. Review status: criteria provided, single submitter. Criteria: Invitae Variant Classification Sherloc (09022015). Collection method: clinical testing. Allele origin: germline.
Comment: This sequence change replaces glycine, which is neutral and non-polar, with serine, which is neutral and polar, at codon 1006 of the COL1A2 protein (p.Gly1006Ser). This variant is not present in population databases (gnomAD no frequency). This missense change has been observed in individual(s) with autosomal dominant osteogenesis imperfecta (PMID: 17078022). Invitae Evidence Modeling of protein sequence and biophysical properties (such as structural, functional, and spatial information, amino acid conservation, physicochemical variation, residue mobility, and thermodynamic stability) indicates that this missense variant is expected to disrupt COL1A2 protein function with a positive predictive value of 95%. This variant disrupts the triple helix domain of COL1A2. Glycine residues within the Gly-Xaa-Yaa repeats of the triple helix domain are required for the structure and stability of fibrillar collagens (PMID: 7695699, 8218237, 19344236). In COL1A2, variants affecting these glycine residues are significantly enriched in individuals with disease (PMID: 9016532, 17078022) compared to the general population (ExAC). For these reasons, this variant has been classified as Pathogenic.

Blueprint Genetics
Classification: Likely pathogenic for COL1A2-related disorders. Last evaluated: 2019-10-11. Review status: criteria provided, single submitter. Criteria: ACMG Guidelines, 2015. Collection method: clinical testing. Allele origin: germline. Affected: yes. Observed: 3 variant alleles.

Literature cited by the submitters: PubMed 17078022 (cited by Labcorp Genetics (formerly Invitae), Labcorp); PubMed 7695699 (cited by Labcorp Genetics (formerly Invitae), Labcorp); PubMed 8218237 (cited by Labcorp Genetics (formerly Invitae), Labcorp); PubMed 19344236 (cited by Labcorp Genetics (formerly Invitae), Labcorp); PubMed 9016532 (cited by Labcorp Genetics (formerly Invitae), Labcorp).

NM_000089.4(COL1A2):c.3016G>A (p.Gly1006Ser)

Gene: COL1A2 (collagen type I alpha 2 chain; plus strand). Cytogenetic location: 7q21.3.
Variant type: single nucleotide variant.
Coding change: c.3016G>A on transcript NM_000089.4 (MANE Select); coding-DNA position 3016, G replaced by A.
Protein change: p.Gly1006Ser; replaces glycine 1006 with serine.
Molecular consequence: missense variant.
Genome position (GRCh38, 1-based): chr7:94,426,441, G>A. VCF-style: chr7-94426441-G-A. GRCh37 (hg19) VCF-style: chr7-94055753-G-A.
Other names: short protein forms G1006S.
Identifiers: ClinVar variation 3759120 (VCV003759120.3).